The following is an entry in ClinVar:

NM_001145809.2(MYH14):c.4666G>A (p.Ala1556Thr)

Gene: MYH14 (myosin heavy chain 14; plus strand). Cytogenetic location: 19q13.33.
Variant type: single nucleotide variant.
Coding change: c.4666G>A on transcript NM_001145809.2 (MANE Select); coding-DNA position 4666, G replaced by A.
Protein change: p.Ala1556Thr; replaces alanine 1556 with threonine.
Molecular consequence: missense variant.
Genome position (GRCh38, 1-based): chr19:50,286,608, G>A. VCF-style: chr19-50286608-G-A. GRCh37 (hg19) VCF-style: chr19-50789865-G-A.
Other names: c.4567G>A, p.Ala1523Thr (NM_001077186.2); c.4543G>A, p.Ala1515Thr (NM_024729.4); c.4666G>A (NM_001145809.1); short protein forms A1515T, A1556T, A1523T.
Identifiers: ClinVar variation 893712 (VCV000893712.9), dbSNP rs758725143, ClinGen allele CA9593567.

ClinVar aggregate classification (germline): Uncertain significance. Review status: criteria provided, multiple submitters, no conflicts (2 of 4 stars). 4 submissions from 4 submitters: Uncertain significance (4). Last evaluated 2026-04-21.

Conditions:
MYH14-related disorder. Also called: MYH14-related condition.
Inborn genetic diseases. Identifiers: MedGen C0950123, MeSH D030342.
Autosomal dominant nonsyndromic hearing loss 4A. Also called: Deafness, autosomal dominant 4A. Identifiers: Orphanet 90635, MedGen C1833503, MONDO:0010915, OMIM 600652.

Allele frequency attached by ClinVar (database versions not stated): ExAC 0.00001; gnomAD exomes 0.00004 and 0.00005; TOPMed 0.00010; gnomAD 0.00014 and 0.00015.
gnomAD v4.1: 74 of 1,603,872 alleles (0.0046%); highest among the groups gnomAD compares: Admixed American, 0.043%; 1 homozygote.

Submissions (4):

PreventionGenetics, part of Exact Sciences
Classification: Uncertain significance for MYH14-related condition. Last evaluated: 2026-04-21. Review status: criteria provided, single submitter. Criteria: ACMG Guidelines, 2015. Collection method: clinical testing. Allele origin: germline.
Comment: The MYH14 c.4666G>A variant is predicted to result in the amino acid substitution p.Ala1556Thr. To our knowledge, this variant has not been reported in the literature. This variant is reported in 0.022% of alleles in individuals of Latino descent in gnomAD. Although we suspect that this variant may be benign, at this time, the clinical significance of this variant is uncertain due to the absence of conclusive functional and genetic evidence.

Labcorp Genetics (formerly Invitae), Labcorp
Classification: Uncertain significance. Last evaluated: 2025-06-16. Review status: criteria provided, single submitter. Criteria: Invitae Variant Classification Sherloc (09022015). Collection method: clinical testing. Allele origin: germline.
Comment: This sequence change replaces alanine, which is neutral and non-polar, with threonine, which is neutral and polar, at codon 1515 of the MYH14 protein (p.Ala1515Thr). This variant is present in population databases (rs758725143, gnomAD 0.02%). This variant has not been reported in the literature in individuals affected with MYH14-related conditions. ClinVar contains an entry for this variant (Variation ID: 893712). Invitae Evidence Modeling of protein sequence and biophysical properties (such as structural, functional, and spatial information, amino acid conservation, physicochemical variation, residue mobility, and thermodynamic stability) indicates that this missense variant is not expected to disrupt MYH14 protein function with a negative predictive value of 80%. In summary, the available evidence is currently insufficient to determine the role of this variant in disease. Therefore, it has been classified as a Variant of Uncertain Significance.

Ambry Genetics
Classification: Uncertain significance for Inborn genetic diseases. Last evaluated: 2025-05-05. Review status: criteria provided, single submitter. Criteria: Ambry Variant Classification Scheme 2023. Collection method: clinical testing. Allele origin: germline.

Illumina Laboratory Services, Illumina
Classification: Uncertain significance for Autosomal dominant nonsyndromic hearing loss 4A. Last evaluated: 2018-01-13. Review status: criteria provided, single submitter. Criteria: ICSL Variant Classification Criteria 13 December 2019. Collection method: clinical testing. Allele origin: germline.